The following is an entry in ClinVar:

ClinVar aggregate classification (germline): Uncertain significance (1 of 4 stars; one submission).

Conditions:
Cardiovascular phenotype. Identifiers: MedGen CN230736.
Hereditary cancer-predisposing syndrome. Also called: Tumor predisposition; Neoplastic Syndromes, Hereditary; Hereditary neoplastic syndrome; Hereditary Cancer Syndrome. Identifiers: Orphanet 140162, MedGen C0027672, MeSH D009386, MONDO:0015356.

Submission:

Ambry Genetics
Classification: Uncertain significance for Cardiovascular phenotype; Hereditary cancer-predisposing syndrome. Last evaluated: 2025-08-25. Review status: criteria provided, single submitter. Criteria: Ambry Variant Classification Scheme 2023. Collection method: clinical testing. Allele origin: germline.
Comment: The p.V324D variant (also known as c.971T>A), located in coding exon 9 of the LZTR1 gene, results from a T to A substitution at nucleotide position 971. The valine at codon 324 is replaced by aspartic acid, an amino acid with highly dissimilar properties. This amino acid position is conserved. In addition, the in silico prediction for this alteration is inconclusive. Based on the available evidence, the clinical significance of this variant remains unclear.

NM_006767.4(LZTR1):c.971T>A (p.Val324Asp)

Gene: LZTR1 (leucine zipper like post translational regulator 1; plus strand). Cytogenetic location: 22q11.21.
Variant type: single nucleotide variant.
Coding change: c.971T>A on transcript NM_006767.4 (MANE Select); coding-DNA position 971, T replaced by A.
Protein change: p.Val324Asp; replaces valine 324 with aspartic acid.
Molecular consequence: missense variant.
Genome position (GRCh38, 1-based): chr22:20,991,807, T>A. VCF-style: chr22-20991807-T-A. GRCh37 (hg19) VCF-style: chr22-21346096-T-A.
Other names: short protein forms V324D.
Identifiers: ClinVar variation 4101938 (VCV004101938.1).